The following is an entry in ClinVar:

NM_002074.5(GNB1):c.93_94del (p.Gln32fs)

Gene: GNB1 (G protein subunit beta 1; minus strand). Cytogenetic location: 1p36.33.
Variant type: Microsatellite.
Coding change: c.93_94del on transcript NM_002074.5 (MANE Select); coding-DNA positions 93 to 94, 2 bases deleted (TC; older notation c.93_94delTC).
Protein change: p.Gln32fs; shifts the reading frame from glutamine 32.
Molecular consequence: frameshift variant. On other transcripts: intron variant (1).
Genome position (GRCh38, 1-based): chr1:1,817,839-1,817,840, GA deleted on the plus strand (TC on the coding strand, the reverse complement: GNB1 is on the minus strand); deleting any 2 consecutive bases within chr1:1,817,839-1,817,847 gives the same sequence; the c. name uses the placement nearest the transcript's 3' end. VCF-style (leftmost placement, unchanged base first): chr1-1817838-TGA-T. GRCh37 (hg19) VCF-style: chr1-1749277-TGA-T.
Other names: c.93_94del, p.Gln32fs (NM_001282539.2); c.-98+7551TC[3] (NM_001282538.2); short protein forms Q32fs.
Identifiers: ClinVar variation 2572418 (VCV002572418.1), dbSNP rs2523202045, ClinGen allele CA645511469.
Genomic context (GRCh38, chr1:1,817,838, plus strand): 5'-GGGTGCCGTGCTAGCCTCCTCACAGGCAGATGGCTCTGCGTGACTCAGTGGGCTCTTACC[TGA>T]GAGAGAGTTGCATCTGCACATGCTTTCCTGGCGTCCTGGGAAGCAAGGACAGTGAGAAAT-3'

ClinVar aggregate classification (germline): Likely pathogenic (1 of 4 stars; one submission).

Conditions:
Intellectual developmental disorder, autosomal dominant 42. Also called: GNB1 Encephalopathy; Intellectual disability, autosomal dominant 42; Global developmental delay-neuro-ophthalmological abnormalities-seizures-intellectual disability syndrome. Identifiers: Orphanet 488613, MedGen C4310774, MONDO:0014855, OMIM 616973.

Submission:

3billion
Classification: Likely pathogenic for Intellectual developmental disorder, autosomal dominant 42. Review status: criteria provided, single submitter. Criteria: ACMG Guidelines, 2015. Collection method: clinical testing. Allele origin: unknown. Affected: yes. Observed: 1 heterozygote.
Comment: The variant is not observed in the gnomAD v2.1.1 dataset. The variant is predicted to result in a loss or disruption of normal protein function through nonsense-mediated decay (NMD) or protein truncation. Multiple pathogenic variants are reported downstream of the variant. Therefore, this variant is classified as Likely pathogenic according to the recommendation of ACMG/AMP guideline.